The following is an entry in ClinVar:

ClinVar aggregate classification (germline): Pathogenic (1 of 4 stars; one submission).

gnomAD v4.1: 8 of 1,614,080 alleles (0.0005%); highest among the groups gnomAD compares: Non-Finnish European, 0.00068%; no homozygotes.

Submission:

Labcorp Genetics (formerly Invitae), Labcorp
Classification: Pathogenic. Last evaluated: 2024-04-25. Review status: criteria provided, single submitter. Criteria: Invitae Variant Classification Sherloc (09022015). Collection method: clinical testing. Allele origin: germline.
Comment: This sequence change creates a premature translational stop signal (p.Trp33*) in the PNLIP gene. It is expected to result in an absent or disrupted protein product. Loss-of-function variants in PNLIP are known to be pathogenic (PMID: 31977950, 35284057). This variant is not present in population databases (gnomAD no frequency). This variant has not been reported in the literature in individuals affected with PNLIP-related conditions. ClinVar contains an entry for this variant (Variation ID: 2029255). For these reasons, this variant has been classified as Pathogenic.

Literature cited by the submitters: PubMed 31977950; PubMed 35284057.

NM_000936.4(PNLIP):c.99G>A (p.Trp33Ter)

Gene: PNLIP (pancreatic lipase; plus strand). Cytogenetic location: 10q25.3.
Variant type: single nucleotide variant.
Coding change: c.99G>A on transcript NM_000936.4 (MANE Select); coding-DNA position 99, G replaced by A.
Protein change: p.Trp33Ter; replaces tryptophan 33 with a stop codon.
Molecular consequence: nonsense.
Genome position (GRCh38, 1-based): chr10:116,547,346, G>A. VCF-style: chr10-116547346-G-A. GRCh37 (hg19) VCF-style: chr10-118306858-G-A.
Other names: short protein forms W33*.
Identifiers: ClinVar variation 2029255 (VCV002029255.3), dbSNP rs760408686, ClinGen allele CA214639385.